The following is an entry in ClinVar:

ClinVar aggregate classification (germline): Pathogenic. Review status: reviewed by expert panel (3 of 4 stars). 3 submissions from 3 submitters: Pathogenic (1). 2 of the submissions do not count toward it. Last evaluated 2025-06-11.

Conditions:
RPE65-related recessive retinopathy. Also called: Recessive RPE65 retinopathy. Identifiers: MedGen CN305526, MONDO:0100368.
Inborn genetic diseases. Identifiers: MedGen C0950123, MeSH D030342.
Retinitis pigmentosa 20 (RP20). Identifiers: Orphanet 791, MedGen C3151086, MONDO:0013425, OMIM 613794.
Leber congenital amaurosis 2 (LCA2). Also called: AMAUROSIS CONGENITA OF LEBER II; Autosomal Recessive RPE65-Related Retinal Degeneration. Identifiers: Orphanet 65, MedGen C1859844, MONDO:0008765, OMIM 204100. Disease mechanism: loss of function.

gnomAD v4.1: 1 of 1,613,700 alleles (0.000062%); highest among the groups gnomAD compares: Non-Finnish European, 0.000085%; no homozygotes.

Submissions (3):

ClinGen Leber Congenital Amaurosis/early Onset Retinal Dystrophy Variant Curation Expert Panel, ClinGen
Classification: Pathogenic for RPE65-related recessive retinopathy. Last evaluated: 2025-06-11. Review status: reviewed by expert panel. Criteria: ClinGen LCAeoRD ACMG Specifications RPE65 V1.0.0. Collection method: curation. Allele origin: germline. Inheritance: Autosomal recessive inheritance.
Comment: NM_000329.3(RPE65):c.1579C>T (p.His527Tyr) is a missense variant predicted to replace histidine with tyrosine at position p.527, which is located within the active site, a well-characterized functional domain required for enzymatic activity (PM1, PMID: 34492281). Another missense variant in the same codon, NM_000329.3(RPE65):c.1580A>G (p.His527Arg), has been classified as pathogenic for RPE65-related recessive retinopathy by the ClinGen LCA / eoRD VCEP (PM5, PMID: 17525851). Splicing prediction using SpliceAI did not strongly predict an effect on splicing due to either of these variants. This variant is present in gnomAD v.4.1.0 at an allele frequency of 0.0000008476, with 1 allele / 1,179,738 total alleles in the European (non-Finnish) population, which is lower than the ClinGen LCA / eoRD VCEP PM2_Supporting threshold of <0.0002 (PM2_Supporting). This variant has been reported in at least 1 proband with early-onset severe retinal dystrophy who was homozygous for the variant (0.5 points, PMID: 35129589, PM3_Supporting). A second unpublished proband carries the variant confirmed in trans with the NM_000329.3(RPE65):c.246-11A>G variant, which has been previously classified by the ClinGen LCA/eoRD VCEP as likely pathogenic (1 point, VCEP member-provided data, PM3). At least one proband harboring this variant exhibits a phenotype including a diagnosis of early onset severe retinal dystrophy (0.5 pts), nystagmus (1 pt), fundus appearance characteristic of retinitis pigmentosa (0.5 pts), and best corrected visual acuity limited to hand motion (1 pt), which are not sufficiently specific for RPE65-related recessive retinopathy to meet the PP4 code (total 3 points, PMID: 35129589). A second unpublished proband had more detailed phenotypes reported, which together were highly specific for RPE65-related recessive retinopathy (12 total points, VCEP member-provided data, PP4_Moderate). The computational predictor REVEL gives a score of 0.965, which is above the ClinGen LCA / eoRD VCEP threshold of ≥0.773 and predicts a damaging effect on RPE65 function (PP3_Moderate). In summary, this variant meets the criteria to be classified as pathogenic for RPE65-related recessive retinopathy based on the ACMG/AMP criteria applied, as specified by the ClinGen LCA / eoRD VCEP: PM1, PM2_Supporting, PM3, PM5, PP3_Moderate, and PP4_Moderate. (VCEP specifications version 1.0.0; date of approval 09/21/2023).

Ambry Genetics
Classification: Pathogenic for Inborn genetic diseases. Last evaluated: 2026-01-05. Review status: criteria provided, single submitter. Criteria: Ambry Variant Classification Scheme 2023. Collection method: clinical testing. Allele origin: germline. Not counted in ClinVar's aggregate classification.
Comment: The c.1579C>T (p.H527Y) alteration is located in exon 14 (coding exon 14) of the RPE65 gene. This alteration results from a C to T substitution at nucleotide position 1579, causing the histidine (H) at amino acid position 527 to be replaced by a tyrosine (Y). Based on data from gnomAD, this allele has an overall frequency of <0.001% (1/250150) total alleles studied. The highest observed frequency was 0.001% (1/112586) of European (non-Finnish) alleles. This variant has been identified in the homozygous state and/or in conjunction with other RPE65 variant(s) in individual(s) with features consistent with RPE65-related retinopathy (Testa, 2022; external communication). Other variant(s) at the same codon, c.1580A>G (p.H527R), have been identified in individual(s) with features consistent with RPE65-related retinopathy (Bjelo&scaron;, 2023). This amino acid position is highly conserved in available vertebrate species. Based on internal structural analysis, this variant is anticipated to disrupt a region of known function (Blum, 2021, Kiser, 2022). This alteration is predicted to be deleterious by in silico analysis. Based on the available evidence, this alteration is classified as pathogenic.

Labcorp Genetics (formerly Invitae), Labcorp
Classification: Likely pathogenic for Leber congenital amaurosis 2; Retinitis pigmentosa 20. Last evaluated: 2025-07-16. Review status: criteria provided, single submitter. Criteria: Invitae Variant Classification Sherloc (09022015). Collection method: clinical testing. Allele origin: germline. Not counted in ClinVar's aggregate classification.
Comment: This sequence change replaces histidine, which is basic and polar, with tyrosine, which is neutral and polar, at codon 527 of the RPE65 protein (p.His527Tyr). This variant is present in population databases (rs779073856, gnomAD 0.0009%). This missense change has been observed in individuals with clinical features of RPE65-related conditions (PMID: 35129589; external communication). ClinVar contains an entry for this variant (Variation ID: 3758005). Invitae Evidence Modeling of protein sequence and biophysical properties (such as structural, functional, and spatial information, amino acid conservation, physicochemical variation, residue mobility, and thermodynamic stability) indicates that this missense variant is expected to disrupt RPE65 protein function with a positive predictive value of 80%. This variant disrupts the p.His527 amino acid residue in RPE65. Other variant(s) that disrupt this residue have been determined to be pathogenic (PMID: 17525851, 24849605, 35904185). This suggests that this residue is clinically significant, and that variants that disrupt this residue are likely to be disease-causing. In summary, the currently available evidence indicates that the variant is pathogenic, but additional data are needed to prove that conclusively. Therefore, this variant has been classified as Likely Pathogenic.

Literature cited by the submitters: PubMed 34081480 (cited by Ambry Genetics); PubMed 34607013 (cited by Ambry Genetics); PubMed 35129589 (cited by Ambry Genetics and Labcorp Genetics (formerly Invitae), Labcorp); PubMed 35904185 (cited by Ambry Genetics and Labcorp Genetics (formerly Invitae), Labcorp); PubMed 17525851 (cited by Labcorp Genetics (formerly Invitae), Labcorp); PubMed 24849605 (cited by Labcorp Genetics (formerly Invitae), Labcorp).

NM_000329.3(RPE65):c.1579C>T (p.His527Tyr)

Gene: RPE65 (retinoid isomerohydrolase RPE65; minus strand). Cytogenetic location: 1p31.3.
Variant type: single nucleotide variant.
Coding change: c.1579C>T on transcript NM_000329.3 (MANE Select); coding-DNA position 1579, C replaced by T.
Protein change: p.His527Tyr; replaces histidine 527 with tyrosine.
Molecular consequence: missense variant.
Genome position (GRCh38, 1-based): chr1:68,429,799, G>A on the plus strand (C>T on the coding strand, the complement: RPE65 is on the minus strand). VCF-style: chr1-68429799-G-A. GRCh37 (hg19) VCF-style: chr1-68895482-G-A.
Other names: NM_000329.3(RPE65):c.1579C>T; p.His527Tyr; c.1579C>T (NM_000329.2); c.1471C>T, p.His491Tyr (NM_001406853.1); c.1303C>T, p.His435Tyr (NM_001406856.1, NM_001406857.1); short protein forms H435Y, H491Y, H527Y.
Identifiers: ClinVar variation 3758005 (VCV003758005.4).